The following is an entry in ClinVar:

NM_007294.4(BRCA1):c.5551del (p.Asp1851fs)

Gene: BRCA1 (BRCA1 DNA repair associated; minus strand). Cytogenetic location: 17q21.31.
Variant type: Deletion.
Coding change: c.5551del on transcript NM_007294.4 (MANE Select); coding-DNA position 5551, one base deleted (G; older notation c.5551delG).
Protein change: p.Asp1851fs; shifts the reading frame from aspartic acid 1851.
Molecular consequence: frameshift variant. On other transcripts: 3 prime UTR variant (1), non-coding transcript variant (1).
Genome position (GRCh38, 1-based): chr17:43,045,719, C deleted on the plus strand (G on the coding strand, the reverse complement: BRCA1 is on the minus strand); the first of 2 consecutive C bases (chr17:43,045,719-43,045,720); deleting either gives the same sequence. VCF-style (leftmost placement, unchanged base first): chr17-43045718-TC-T. GRCh37 (hg19) VCF-style: chr17-41197735-TC-T.
Other names: 5670delG; c.5403delG, p.Asp1802Thrfs (NM_001407841.1, NM_001407842.1, NM_001407843.1 and 12 more transcripts); c.*64delG (NM_001407854.1, NM_001407858.1, NM_001407859.1 and 13 more transcripts); c.5349delG, p.Asp1784Thrfs (NM_001407862.1); c.5346delG, p.Asp1783Thrfs (NM_001407863.1); c.5343delG, p.Asp1782Thrfs (NM_001407874.1, NM_001407875.1); c.5340delG, p.Asp1781Thrfs (NM_001407879.1, NM_001407881.1, NM_001407882.1 and 5 more transcripts); c.5337delG, p.Asp1780Thrfs (NM_001407894.1, NM_001407895.1, NM_001407896.1 and 12 more transcripts); and 78 more; short protein forms D1851fs, D747fs, D1804fs, D1872fs.
Identifiers: ClinVar variation 266563 (VCV000266563.6), dbSNP rs886040304, ClinGen allele CA10589582.

ClinVar aggregate classification (germline): Pathogenic. Review status: reviewed by expert panel (3 of 4 stars). 2 submissions from 2 submitters: Pathogenic (1). 1 of the submissions does not count toward it. Last evaluated 2016-10-18.

Conditions:
Breast-ovarian cancer, familial, susceptibility to, 1 (BROVCA1). Also called: BRCA1 Hereditary Breast and Ovarian Cancer; OVARIAN CANCER, SUSCEPTIBILITY TO. Identifiers: Orphanet 145, MedGen C2676676, MONDO:0011450, OMIM 604370. Disease mechanism: loss of function.

Submissions (2):

Evidence-based Network for the Interpretation of Germline Mutant Alleles (ENIGMA)
Classification: Pathogenic for Breast-ovarian cancer, familial, susceptibility to, 1. Last evaluated: 2016-10-18. Review status: reviewed by expert panel. Criteria: ENIGMA BRCA1/2 Classification Criteria (2015). Collection method: curation. Allele origin: germline.
Comment: Variant allele predicted to encode a truncated non-functional protein.

Consortium of Investigators of Modifiers of BRCA1/2 (CIMBA), c/o University of Cambridge
Classification: Pathogenic for Breast-ovarian cancer, familial, susceptibility to, 1. Last evaluated: 2015-10-02. Review status: criteria provided, single submitter. Criteria: CIMBA Mutation Classification guidelines May 2016. Collection method: clinical testing. Allele origin: germline. Not counted in ClinVar's aggregate classification.